The following is an entry in ClinVar:

ClinVar aggregate classification (germline): Uncertain significance. Review status: criteria provided, multiple submitters, no conflicts (2 of 4 stars). 3 submissions from 3 submitters: Uncertain significance (3). Last evaluated 2025-06-25.

Conditions:
Inborn genetic diseases. Identifiers: MedGen C0950123, MeSH D030342.
Charcot-Marie-Tooth disease type 4. Also called: Charcot-Marie-Tooth, Type 4; Charcot-Marie-Tooth disease, type IV. Identifiers: Orphanet 64749, MedGen C4082197, MONDO:0018995.

Allele frequency attached by ClinVar (database versions not stated): gnomAD exomes below 0.00001 and 0.00001; ExAC 0.00001; gnomAD 0.00001; TOPMed 0.00001; ESP Exome Variant Server 0.00008.
gnomAD v4.1: 20 of 1,612,894 alleles (0.0012%); highest among the groups gnomAD compares: Non-Finnish European, 0.0017%; no homozygotes.

Submissions (3):

Athena Diagnostics
Classification: Uncertain significance. Last evaluated: 2025-06-25. Review status: criteria provided, single submitter. Criteria: Athena Diagnostics Criteria. Collection method: clinical testing. Allele origin: unknown.
Comment: Available data are insufficient to determine the clinical significance of the variant at this time. The frequency of this variant in the general population is uninformative in assessment of its pathogenicity. Polyphen and MutationTaster predict this amino acid change may be benign.

Labcorp Genetics (formerly Invitae), Labcorp
Classification: Uncertain significance for Charcot-Marie-Tooth disease type 4. Last evaluated: 2023-12-11. Review status: criteria provided, single submitter. Criteria: Invitae Variant Classification Sherloc (09022015). Collection method: clinical testing. Allele origin: germline.
Comment: This sequence change replaces glutamic acid, which is acidic and polar, with lysine, which is basic and polar, at codon 187 of the FIG4 protein (p.Glu187Lys). This variant is not present in population databases (gnomAD no frequency). This variant has not been reported in the literature in individuals affected with FIG4-related conditions. ClinVar contains an entry for this variant (Variation ID: 843175). An algorithm developed to predict the effect of missense changes on protein structure and function (PolyPhen-2) suggests that this variant¬†is likely to be tolerated. In summary, the available evidence is currently insufficient to determine the role of this variant in disease. Therefore, it has been classified as a Variant of Uncertain Significance.

Ambry Genetics
Classification: Uncertain significance for Inborn genetic diseases. Last evaluated: 2020-10-30. Review status: criteria provided, single submitter. Criteria: Ambry Variant Classification Scheme 2023. Collection method: clinical testing. Allele origin: germline.
Comment: The p.E187K variant (also known as c.559G>A), located in coding exon 6 of the FIG4 gene, results from a G to A substitution at nucleotide position 559. The glutamic acid at codon 187 is replaced by lysine, an amino acid with similar properties. This amino acid position is well conserved in available vertebrate species. In addition, this alteration is predicted to be tolerated by in silico analysis. Since supporting evidence is limited at this time, the clinical significance of this alteration remains unclear.

NM_014845.6(FIG4):c.559G>A (p.Glu187Lys)

Gene: FIG4 (FIG4 phosphoinositide 5-phosphatase; plus strand). Cytogenetic location: 6q21.
Variant type: single nucleotide variant.
Coding change: c.559G>A on transcript NM_014845.6 (MANE Select); coding-DNA position 559, G replaced by A.
Protein change: p.Glu187Lys; replaces glutamic acid 187 with lysine.
Molecular consequence: missense variant.
Genome position (GRCh38, 1-based): chr6:109,735,211, G>A. VCF-style: chr6-109735211-G-A. GRCh37 (hg19) VCF-style: chr6-110056414-G-A.
Other names: short protein forms E187K.
Identifiers: ClinVar variation 843175 (VCV000843175.10), dbSNP rs370115339, ClinGen allele CA3955839.